The following is an entry in ClinVar:

ClinVar aggregate classification (germline): Uncertain significance. Review status: criteria provided, multiple submitters, no conflicts (2 of 4 stars). 2 submissions from 2 submitters: Uncertain significance (2). Last evaluated 2018-08-16.

Conditions:
Autosomal recessive nonsyndromic hearing loss 3. Also called: NEUROSENSORY NONSYNDROMIC RECESSIVE DEAFNESS 3. Identifiers: Orphanet 90636, MedGen C1838263, MONDO:0010860, OMIM 600316.

Allele frequency attached by ClinVar (database versions not stated): TOPMed 0.00001; ExAC 0.00002; gnomAD 0.00002 and 0.00001; gnomAD exomes below 0.00001 and 0.00001.
gnomAD v4.1: 9 of 1,613,270 alleles (0.00056%); highest among the groups gnomAD compares: East Asian, 0.02%; no homozygotes.

Submissions (2):

Laboratory for Molecular Medicine, Mass General Brigham Personalized Medicine
Classification: Uncertain significance. Last evaluated: 2018-08-16. Review status: criteria provided, single submitter. Criteria: LMM Criteria. Collection method: clinical testing. Allele origin: germline. Observed: 1 variant allele.
Comment: The p.Pro421Ser variant in MYO15A has not been previously reported in individual s with hearing loss but has been identified in 0.02% (4/18866) of East Asian chr omosomes by the Genome Aggregation Database (gnomAD). Computational prediction tools and conservation analysis do not provide strong support for or against an impact to the protein. In summary, the clinical significance of the p.Pro421Ser variant is uncertain. ACMG/AMP Criteria applied : PM2_Supporting.

Molecular Diagnosis Center for Deafness
Classification: Uncertain significance for Autosomal recessive nonsyndromic hearing loss 3. Review status: criteria provided, single submitter. Criteria: ClinGen HL ACMG Specifications v1. Collection method: clinical testing. Allele origin: paternal. Observed: 1 variant allele.

NM_016239.4(MYO15A):c.1261C>T (p.Pro421Ser)

Gene: MYO15A (myosin XVA; plus strand). Cytogenetic location: 17p11.2.
Variant type: single nucleotide variant.
Coding change: c.1261C>T on transcript NM_016239.4 (MANE Select); coding-DNA position 1261, C replaced by T.
Protein change: p.Pro421Ser; replaces proline 421 with serine.
Molecular consequence: missense variant.
Genome position (GRCh38, 1-based): chr17:18,120,061, C>T. VCF-style: chr17-18120061-C-T. GRCh37 (hg19) VCF-style: chr17-18023375-C-T.
Other names: short protein forms P421S.
Identifiers: ClinVar variation 666870 (VCV000666870.24), dbSNP rs762439635, ClinGen allele CA8423067.